The following is an entry in ClinVar:

ClinVar aggregate classification (germline): Uncertain significance. Review status: criteria provided, multiple submitters, no conflicts (2 of 4 stars). 2 submissions from 2 submitters: Uncertain significance (2). Last evaluated 2026-03-29.

Conditions:
Inborn genetic diseases. Identifiers: MedGen C0950123, MeSH D030342.

Submissions (2):

GeneDx
Classification: Uncertain significance. Last evaluated: 2026-03-29. Review status: criteria provided, single submitter. Criteria: GeneDx Variant Classification Process June 2021. Collection method: clinical testing. Allele origin: germline.
Comment: Not observed at significant frequency in large population cohorts (gnomAD); In silico analysis supports that this missense variant has a deleterious effect on protein structure/function; Has not been previously published as pathogenic or benign to our knowledge

Ambry Genetics
Classification: Uncertain significance for Inborn genetic diseases. Last evaluated: 2023-02-15. Review status: criteria provided, single submitter. Criteria: Ambry Variant Classification Scheme 2023. Collection method: clinical testing. Allele origin: germline.

NM_003660.4(PPFIA3):c.327A>T (p.Glu109Asp)

Gene: PPFIA3 (PPFI scaffold protein A3; plus strand). Cytogenetic location: 19q13.33.
Variant type: single nucleotide variant.
Coding change: c.327A>T on transcript NM_003660.4 (MANE Select); coding-DNA position 327, A replaced by T.
Protein change: p.Glu109Asp; replaces glutamic acid 109 with aspartic acid.
Molecular consequence: missense variant. On other transcripts: non-coding transcript variant (1).
Genome position (GRCh38, 1-based): chr19:49,128,453, A>T. VCF-style: chr19-49128453-A-T. GRCh37 (hg19) VCF-style: chr19-49631710-A-T.
Other names: c.327A>T (NM_003660.3); short protein forms E109D.
Identifiers: ClinVar variation 2484535 (VCV002484535.3), dbSNP rs768440918, ClinGen allele CA406797403.
Genomic context (GRCh38, chr19:49,128,453, plus strand): 5'-GAACTTATGTCGGGAGCAGCTGCTGGAGAGGGAGGAAGAGATTGCAGAGCTGAAGGCGGA[A>T]CGGAACAACACGCGGGTGAGGGGTGTTGAGGGCGGGGCCTAAGTGGGGGCGGGGCCTCGT-3'
Protein context (NP_003651.1, residues 99-119): REEEIAELKA[Glu109Asp]RNNTRLLLEH